The following is an entry in ClinVar:

ClinVar aggregate classification (germline): Benign (3 of 4 stars; one submission).

Conditions:
Breast-ovarian cancer, familial, susceptibility to, 1 (BROVCA1). Also called: BRCA1 Hereditary Breast and Ovarian Cancer; OVARIAN CANCER, SUSCEPTIBILITY TO. Identifiers: Orphanet 145, MedGen C2676676, MONDO:0011450, OMIM 604370. Disease mechanism: loss of function.

Allele frequency attached by ClinVar (database versions not stated): 1000 Genomes Project 30x 0.00468; gnomAD 0.00536 and 0.00574; 1000 Genomes Project 0.00559; TOPMed 0.00616.
gnomAD v4.1: 807 of 152,194 alleles (0.53%); highest among the groups gnomAD compares: African/African-American, 1.6%; 11 homozygotes.

Submission:

Evidence-based Network for the Interpretation of Germline Mutant Alleles (ENIGMA)
Classification: Benign for Breast-ovarian cancer, familial 1. Last evaluated: 2015-01-12. Review status: reviewed by expert panel. Criteria: ENIGMA BRCA1/2 Classification Criteria (2015). Collection method: curation. Allele origin: germline.
Comment: Class 1 not pathogenic based on frequency >1% in an outbred sampleset. Frequency 0.02033 (African), derived from 1000 genomes (2012-04-30).

NM_007294.4(BRCA1):c.135-3641C>T

Gene: BRCA1 (BRCA1 DNA repair associated; minus strand). Cytogenetic location: 17q21.31.
Variant type: single nucleotide variant.
Coding change: c.135-3641C>T on transcript NM_007294.4 (MANE Select); 3641 bases into the intron before coding-DNA position 135, C replaced by T.
Molecular consequence: intron variant.
Genome position (GRCh38, 1-based): chr17:43,110,174, G>A on the plus strand (C>T on the coding strand, the complement: BRCA1 is on the minus strand). VCF-style: chr17-43110174-G-A. GRCh37 (hg19) VCF-style: chr17-41262191-G-A.
Other names: IVS 3-3641C>T; c.-7-3641C>T (NM_001408458.1, NM_001407931.1, NM_001407747.1 and 81 more transcripts); c.-219+15103C>T (NM_001407967.1); c.-169-5218C>T (NM_001407959.1, NM_001407962.1, NM_001408512.1 and 3 more transcripts); c.-54-3641C>T (NM_001407885.1, NM_001407886.1, NM_001407898.1 and 55 more transcripts); c.-8+291C>T (NM_001407746.1, NM_001408468.1, NM_001407842.1 and 14 more transcripts); c.135-3641C>T (NM_001407686.1, NM_001408397.1, NM_001407632.1 and 167 more transcripts); c.81-5218C>T (NM_001408451.1); and 6 more.
Identifiers: ClinVar variation 209507 (VCV000209507.2), dbSNP rs111572667, ClinGen allele CA276477.